The following is an entry in ClinVar:

ClinVar aggregate classification (germline): Likely benign. Review status: criteria provided, single submitter (1 of 4 stars). 2 submissions from 2 submitters: Likely benign (1). 1 of the submissions does not count toward it. Last evaluated 2023-09-20.

Conditions:
ABCC2-related disorder. Also called: ABCC2-related condition.

Submissions (2):

Labcorp Genetics (formerly Invitae), Labcorp
Classification: Likely benign. Last evaluated: 2023-09-20. Review status: criteria provided, single submitter. Criteria: Invitae Variant Classification Sherloc (09022015). Collection method: clinical testing. Allele origin: germline.

PreventionGenetics, part of Exact Sciences
Classification: Likely benign for ABCC2-related condition. Last evaluated: 2024-05-02. Review status: no assertion criteria provided. Collection method: clinical testing. Allele origin: germline. Not counted in ClinVar's aggregate classification.
Comment: This variant is classified as likely benign based on ACMG/AMP sequence variant interpretation guidelines (Richards et al. 2015 PMID: 25741868, with internal and published modifications).

NM_000392.5(ABCC2):c.1901-10_1901-9dup

Gene: ABCC2 (ATP binding cassette subfamily C member 2; plus strand). Cytogenetic location: 10q24.2.
Variant type: Duplication.
Coding change: c.1901-10_1901-9dup on transcript NM_000392.5 (MANE Select); 10 bases into the intron before coding-DNA position 1901 through 9 bases into the intron before coding-DNA position 1901, 2 bases duplicated (TT; older notation c.1901-10_1901-9dupTT).
Molecular consequence: intron variant.
Genome position (GRCh38, 1-based): chr10:99,811,526-99,811,527, TT duplicated; duplicating any 2 consecutive bases within chr10:99,811,523-99,811,527 gives the same sequence; the c. name uses the placement nearest the transcript's 3' end. VCF-style (leftmost placement, unchanged base first): chr10-99811522-C-CTT. GRCh37 (hg19) VCF-style: chr10-101571279-C-CTT.
Other names: c.1901-10_1901-9dupTT (NM_000392.4).
Identifiers: ClinVar variation 2965910 (VCV002965910.4), dbSNP rs2038213379, ClinGen allele CA1931491932.
Genomic context (GRCh38, chr10:99,811,522, plus strand): 5'-CGGAGAGAGACACGTGAGGGCAGACAGTCACGTGGGGACCTACATTGGACTAAAAGAGGG[C>CTT]TTTTTCTCAACAGACAAAGCCATGCAGTTTTCTGAGGCCTCCTTTACCTGGGAACATGAT-3'